The following is an entry in ClinVar:

ClinVar aggregate classification (germline): Uncertain significance. Review status: criteria provided, multiple submitters, no conflicts (2 of 4 stars). 3 submissions from 3 submitters: Uncertain significance (3). Last evaluated 2026-03-04.

Conditions:
Autosomal recessive limb-girdle muscular dystrophy type 2J (LGMDR10). Also called: MUSCULAR DYSTROPHY, LIMB-GIRDLE, AUTOSOMAL RECESSIVE 10; Limb-girdle muscular dystrophy, type 2J. Identifiers: Orphanet 140922, MedGen C1837342, MONDO:0012127, OMIM 608807.
Dilated cardiomyopathy 1G (CMD1G). Identifiers: Orphanet 154, MedGen C1858763, MONDO:0011400, OMIM 604145.

Allele frequency attached by ClinVar (database versions not stated): gnomAD exomes below 0.00001.
gnomAD v4.1: 5 of 1,613,992 alleles (0.00031%); highest among the groups gnomAD compares: Non-Finnish European, 0.00042%; no homozygotes.

Submissions (3):

GeneDx
Classification: Uncertain significance. Last evaluated: 2026-03-04. Review status: criteria provided, single submitter. Criteria: GeneDx Variant Classification Process June 2021. Collection method: clinical testing. Allele origin: germline.
Comment: Not observed at significant frequency in large population cohorts (gnomAD); Missense variant in a gene in which most reported pathogenic variants are truncating/loss of function; Has not been previously published as pathogenic or benign to our knowledge

Labcorp Genetics (formerly Invitae), Labcorp
Classification: Uncertain significance for Dilated cardiomyopathy 1G; Autosomal recessive limb-girdle muscular dystrophy type 2J. Last evaluated: 2025-07-01. Review status: criteria provided, single submitter. Criteria: Invitae Variant Classification Sherloc (09022015). Collection method: clinical testing. Allele origin: germline.
Comment: This sequence change replaces arginine, which is basic and polar, with glycine, which is neutral and non-polar, at codon 34599 of the TTN protein (p.Arg34599Gly). This variant is present in population databases (no rsID available, gnomAD 0.0009%). This variant has not been reported in the literature in individuals affected with TTN-related conditions. ClinVar contains an entry for this variant (Variation ID: 1807520). Experimental studies and prediction algorithms are not available or were not evaluated, and the functional significance of this variant is currently unknown. This variant is located in the M band of TTN (PMID: 25589632). Non-truncating variants in this region may be relevant for neuromuscular disorders, but have not been definitively shown to cause cardiomyopathy (PMID: 23975875). In summary, the available evidence is currently insufficient to determine the role of this variant in disease. Therefore, it has been classified as a Variant of Uncertain Significance.

Athena Diagnostics
Classification: Uncertain significance. Last evaluated: 2022-09-01. Review status: criteria provided, single submitter. Criteria: Athena Diagnostics Criteria. Collection method: clinical testing. Allele origin: unknown.

Literature cited by the submitters: PubMed 25589632 (cited by Labcorp Genetics (formerly Invitae), Labcorp); PubMed 23975875 (cited by Labcorp Genetics (formerly Invitae), Labcorp).

NM_001267550.2(TTN):c.103795A>G (p.Arg34599Gly)

Genes: TTN (titin; minus strand), TTN-AS1 (TTN antisense RNA 1; plus strand). Cytogenetic location: 2q31.2.
Variant type: single nucleotide variant.
Coding change: c.103795A>G on transcript NM_001267550.2 (MANE Select); coding-DNA position 103795, A replaced by G.
Protein change: p.Arg34599Gly; replaces arginine 34599 with glycine.
Molecular consequence: missense variant.
Genome position (GRCh38, 1-based): chr2:178,532,820, T>C on the plus strand (A>G on the coding strand, the complement: TTN is on the minus strand). VCF-style: chr2-178532820-T-C. GRCh37 (hg19) VCF-style: chr2-179397547-T-C.
Other names: c.98872A>G, p.Arg32958Gly (NM_001256850.1); c.76600A>G, p.Arg25534Gly (NM_003319.4); c.96091A>G, p.Arg32031Gly (NM_133378.4); c.76975A>G, p.Arg25659Gly (NM_133432.3); c.77176A>G, p.Arg25726Gly (NM_133437.4); short protein forms R25534G, R25659G, R25726G, R32031G, R32958G, R34599G.
Identifiers: ClinVar variation 1807520 (VCV001807520.3), dbSNP rs1434019421, ClinGen allele CA349413498.